The following is an entry in ClinVar:

ClinVar aggregate classification (germline): Uncertain significance (1 of 4 stars; one submission).

Conditions:
Hereditary cancer-predisposing syndrome. Also called: Tumor predisposition; Hereditary neoplastic syndrome; Neoplastic Syndromes, Hereditary; Hereditary Cancer Syndrome. Identifiers: Orphanet 140162, MedGen C0027672, MeSH D009386, MONDO:0015356.

Submission:

Ambry Genetics
Classification: Uncertain significance for Hereditary cancer-predisposing syndrome. Last evaluated: 2025-04-10. Review status: criteria provided, single submitter. Criteria: Ambry Variant Classification Scheme 2023. Collection method: clinical testing. Allele origin: germline.
Comment: The p.I603S variant (also known as c.1808T>G), located in coding exon 12 of the BRIP1 gene, results from a T to G substitution at nucleotide position 1808. The isoleucine at codon 603 is replaced by serine, an amino acid with dissimilar properties. This amino acid position is conserved. In addition, the in silico prediction for this alteration is inconclusive. Based on the available evidence, the clinical significance of this variant remains unclear.

NM_032043.3(BRIP1):c.1808T>G (p.Ile603Ser)

Gene: BRIP1 (BRCA1 interacting DNA helicase 1; minus strand). Cytogenetic location: 17q23.2.
Variant type: single nucleotide variant.
Coding change: c.1808T>G on transcript NM_032043.3 (MANE Select); coding-DNA position 1808, T replaced by G.
Protein change: p.Ile603Ser; replaces isoleucine 603 with serine.
Molecular consequence: missense variant.
Genome position (GRCh38, 1-based): chr17:61,780,388, A>C on the plus strand (T>G on the coding strand, the complement: BRIP1 is on the minus strand). VCF-style: chr17-61780388-A-C. GRCh37 (hg19) VCF-style: chr17-59857749-A-C.
Other names: short protein forms I603S.
Identifiers: ClinVar variation 3993139 (VCV003993139.1).